The following is an entry in ClinVar:

ClinVar aggregate classification (germline): Uncertain significance (1 of 4 stars; one submission).

Conditions:
Hereditary cancer-predisposing syndrome. Also called: Neoplastic Syndromes, Hereditary; Tumor predisposition; Hereditary neoplastic syndrome; Hereditary Cancer Syndrome. Identifiers: Orphanet 140162, MedGen C0027672, MeSH D009386, MONDO:0015356.

Submission:

Ambry Genetics
Classification: Uncertain significance for Hereditary cancer-predisposing syndrome. Last evaluated: 2026-07-30. Review status: criteria provided, single submitter. Criteria: Ambry Variant Classification Scheme 2023. Collection method: clinical testing. Allele origin: germline.
Comment: The c.2318+5G>T intronic variant results from a G to T substitution 5 nucleotides after coding exon 16 in the MSH3 gene. This nucleotide position is highly conserved in available vertebrate species. In silico splice site analysis predicts that this alteration will weaken the native splice donor site. Based on the available evidence, the clinical significance of this variant remains unclear.

NM_002439.5(MSH3):c.2318+5G>T

Gene: MSH3 (mutS homolog 3; plus strand). Cytogenetic location: 5q14.1.
Variant type: single nucleotide variant.
Coding change: c.2318+5G>T on transcript NM_002439.5 (MANE Select); 5 bases into the intron after coding-DNA position 2318, G replaced by T.
Molecular consequence: intron variant.
Genome position (GRCh38, 1-based): chr5:80,775,763, G>T. VCF-style: chr5-80775763-G-T. GRCh37 (hg19) VCF-style: chr5-80071582-G-T.
Identifiers: ClinVar variation 5024815 (VCV005024815.1).